The following is an entry in ClinVar:

NM_001363711.2(DUOX2):c.1585AAG[1] (p.Lys530del)

Gene: DUOX2 (dual oxidase 2; minus strand). Cytogenetic location: 15q21.1.
Variant type: Microsatellite.
Coding change: c.1585AAG[1] on transcript NM_001363711.2 (MANE Select); one copy of the 3-base unit AAG starting at c.1585; the reference has two copies in a row; one copy, 3 bases deleted.
Protein change: p.Lys530del; deletes lysine 530.
Molecular consequence: inframe deletion.
Genome position (GRCh38, 1-based): chr15:45,107,448-45,107,450, CTT deleted on the plus strand (AAG on the coding strand, the reverse complement: DUOX2 is on the minus strand); deleting any 3 consecutive bases within chr15:45,107,448-45,107,453 gives the same sequence; the position shown is the placement nearest the transcript's 3' end. VCF-style (leftmost placement, unchanged base first): chr15-45107447-CCTT-C. GRCh37 (hg19) VCF-style: chr15-45399645-CCTT-C.
Other names: c.1585AAG[1], p.Lys530del (NM_014080.5); short protein forms K530del.
Identifiers: ClinVar variation 2015597 (VCV002015597.1), dbSNP rs1169190684, ClinGen allele CA617693492.

ClinVar aggregate classification (germline): Uncertain significance (1 of 4 stars; one submission).

Submission:

Labcorp Genetics (formerly Invitae), Labcorp
Classification: Uncertain significance. Last evaluated: 2022-07-09. Review status: criteria provided, single submitter. Criteria: Invitae Variant Classification Sherloc (09022015). Collection method: clinical testing. Allele origin: germline.
Comment: This variant, c.1588_1590del, results in the deletion of 1 amino acid(s) of the DUOX2 protein (p.Lys530del), but otherwise preserves the integrity of the reading frame. This variant is present in population databases (no rsID available, gnomAD 0.003%). This variant has not been reported in the literature in individuals affected with DUOX2-related conditions. Experimental studies and prediction algorithms are not available or were not evaluated, and the functional significance of this variant is currently unknown. In summary, the available evidence is currently insufficient to determine the role of this variant in disease. Therefore, it has been classified as a Variant of Uncertain Significance.